The following is an entry in ClinVar:

NM_002843.4(PTPRJ):c.105C>T (p.Cys35=)

Gene: PTPRJ (protein tyrosine phosphatase receptor type J; plus strand). Cytogenetic location: 11p11.2.
Variant type: single nucleotide variant.
Coding change: c.105C>T on transcript NM_002843.4 (MANE Select); coding-DNA position 105, C replaced by T.
Protein change: p.Cys35=; no amino-acid change (cysteine 35 retained).
Molecular consequence: synonymous variant.
Genome position (GRCh38, 1-based): chr11:48,110,066, C>T. VCF-style: chr11-48110066-C-T. GRCh37 (hg19) VCF-style: chr11-48131618-C-T.
Other names: c.105C>T, p.Cys35= (NM_001098503.2).
Identifiers: ClinVar variation 3034448 (VCV003034448.2), dbSNP rs201977385, ClinGen allele CA5981838.

ClinVar aggregate classification (germline): Likely benign (0 of 4 stars; one submission).

Conditions:
PTPRJ-related disorder. Also called: PTPRJ-related condition.

Allele frequency attached by ClinVar (database versions not stated): 1000 Genomes Project 30x 0.00016; 1000 Genomes Project 0.00020.
gnomAD v4.1: 583 of 1,613,880 alleles (0.036%); highest among the groups gnomAD compares: South Asian, 0.11%; no homozygotes.

Submission:

PreventionGenetics, part of Exact Sciences
Classification: Likely benign for PTPRJ-related condition. Last evaluated: 2019-07-25. Review status: no assertion criteria provided. Collection method: clinical testing. Allele origin: germline.
Comment: This variant is classified as likely benign based on ACMG/AMP sequence variant interpretation guidelines (Richards et al. 2015 PMID: 25741868, with internal and published modifications).